The following is an entry in ClinVar:

NM_001999.4(FBN2):c.2940C>A (p.Cys980Ter)

Gene: FBN2 (fibrillin 2; minus strand). Cytogenetic location: 5q23.3.
Variant type: single nucleotide variant.
Coding change: c.2940C>A on transcript NM_001999.4 (MANE Select); coding-DNA position 2940, C replaced by A.
Protein change: p.Cys980Ter; replaces cysteine 980 with a stop codon.
Molecular consequence: nonsense.
Genome position (GRCh38, 1-based): chr5:128,349,396, G>T on the plus strand (C>A on the coding strand, the complement: FBN2 is on the minus strand). VCF-style: chr5-128349396-G-T. GRCh37 (hg19) VCF-style: chr5-127685088-G-T.
Other names: short protein forms C980*.
Identifiers: ClinVar variation 1804962 (VCV001804962.3), dbSNP rs143255082, ClinGen allele CA360765293.

ClinVar aggregate classification (germline): Uncertain significance (1 of 4 stars; one submission).

Conditions:
Congenital contractural arachnodactyly (CCA). Also called: BEALS SYNDROME; Arthrogryposis, distal, type 9; Beals-Hecht syndrome. Identifiers: Orphanet 115, MedGen C0220668, MONDO:0007363, OMIM 121050.

Submission:

Victorian Clinical Genetics Services, Murdoch Childrens Research Institute
Classification: Uncertain significance for Congenital contractural arachnodactyly. Last evaluated: 2026-01-20. Review status: criteria provided, single submitter. Criteria: ACMG Guidelines, 2015. Collection method: clinical testing. Allele origin: germline. Affected: yes.
Comment: This variant is classified as VUS-3A. Evidence in support of pathogenic classification: Variant is predicted to cause nonsense-mediated decay (NMD) and loss of protein (premature termination codon is located at least 54 nucleotides upstream of the final exon-exon junction); Variant is absent from gnomAD (v2, v3 and v4). Additional information: This variant is heterozygous; This gene is associated with autosomal dominant disease. There are also rare reports of a severe form of congenital contractural arachnodactyly due to biallelic variants (PMID: 33571691); This variant has no previous evidence of pathogenicity; No published segregation evidence has been identified for this variant; No published functional evidence has been identified for this variant; Other null variants comparable to the one identified in this case have inconclusive previous evidence for pathogenicity. Five NMD-predicted variants have been classified as likely pathogenic and pathogenic in ClinVar. Where additional information was provided, these variants were identified in individuals with contractures or multiple spontaneous pneumothorax (ClinVar, GeneDx personal communication, Greenwood Genetic Centre personal communication). Additionally, p.(Glu1328X) was also identified in the proband's maternal grandmother who has contractures (Greenwood Genetic Centre personal communication). However, it should be noted that the vast majority of NMD-predicted variants in ClinVar are described as variants of uncertain significance, while only four NMD-predicted variants have been reported in the literature in individuals with FBN2-related features (PMID: 11754102, 40709559); The mechanism of disease for this gene is not clearly established. However, dominant negative is a likely mechanism of disease (PMID: 31316167). Loss of function has recently been suggested as a possible mechanism of disease, although additional functional studies are required to confirm this hypothesis (PMID: 20301560); Variants in this gene are known to have variable expressivity. Intrafamilial and interfamilial variability are both well-reported for this gene (PMID: 20301560); Inheritance information for this variant is not currently available in this individual.

Literature cited by the submitters: PubMed 40709559; PubMed 20301560; PubMed 31316167; PubMed 33571691; PubMed 11754102.